The following is an entry in ClinVar:

NM_001232.4(CASQ2):c.676G>T (p.Ala226Ser)

Gene: CASQ2 (calsequestrin 2; minus strand). Cytogenetic location: 1p13.1.
Variant type: single nucleotide variant.
Coding change: c.676G>T on transcript NM_001232.4 (MANE Select); coding-DNA position 676, G replaced by T.
Protein change: p.Ala226Ser; replaces alanine 226 with serine.
Molecular consequence: missense variant.
Genome position (GRCh38, 1-based): chr1:115,727,053, C>A on the plus strand (G>T on the coding strand, the complement: CASQ2 is on the minus strand). VCF-style: chr1-115727053-C-A. GRCh37 (hg19) VCF-style: chr1-116269674-C-A.
Other names: short protein forms A226S.
Identifiers: ClinVar variation 1755349 (VCV001755349.4), dbSNP rs937969583, ClinGen allele CA341768748.
Genomic context (GRCh38, chr1:115,727,053, plus strand): 5'-TTTGGTGTTCCTTCACAAACTCCACCAGCTCCTCTTCTGTGTAAGGTTTGTTGGGGATGG[C>A]AATGGGCTCATCCATAAATGGCTCATAGAAGTCAACCTCATTCATCTTCAAAGATAATTT-3'
Protein context (NP_001223.2, residues 216-236): FYEPFMDEPI[Ala226Ser]IPNKPYTEEE

ClinVar aggregate classification (germline): Uncertain significance. Review status: criteria provided, multiple submitters, no conflicts (2 of 4 stars). 2 submissions from 2 submitters: Uncertain significance (2). Last evaluated 2025-12-24.

Conditions:
Catecholaminergic polymorphic ventricular tachycardia 1. Also called: VENTRICULAR TACHYCARDIA, CATECHOLAMINERGIC POLYMORPHIC, 1, WITH OR WITHOUT ATRIAL DYSFUNCTION AND/OR DILATED CARDIOMYOPATHY; VENTRICULAR TACHYCARDIA, STRESS-INDUCED POLYMORPHIC 1; RYR2-Related Catecholaminergic Polymorphic Ventricular Tachycardia. Identifiers: Orphanet 3286, MedGen C1631597, MONDO:0011484, OMIM 604772.
Cardiovascular phenotype. Identifiers: MedGen CN230736.

Allele frequency attached by ClinVar (database versions not stated): gnomAD exomes 0.00001.
gnomAD v4.1: 9 of 1,610,514 alleles (0.00056%); highest among the groups gnomAD compares: Non-Finnish European, 0.00076%; no homozygotes.

Submissions (2):

Labcorp Genetics (formerly Invitae), Labcorp
Classification: Uncertain significance for Catecholaminergic polymorphic ventricular tachycardia 1. Last evaluated: 2025-12-24. Review status: criteria provided, single submitter. Criteria: Invitae Variant Classification Sherloc (09022015). Collection method: clinical testing. Allele origin: germline.
Comment: This sequence change replaces alanine, which is neutral and non-polar, with serine, which is neutral and polar, at codon 226 of the CASQ2 protein (p.Ala226Ser). This variant is present in population databases (no rsID available, gnomAD 0.002%). This variant has not been reported in the literature in individuals affected with CASQ2-related conditions. ClinVar contains an entry for this variant (Variation ID: 1755349). Invitae Evidence Modeling of protein sequence and biophysical properties (such as structural, functional, and spatial information, amino acid conservation, physicochemical variation, residue mobility, and thermodynamic stability) indicates that this missense variant is not expected to disrupt CASQ2 protein function with a negative predictive value of 80%. In summary, the available evidence is currently insufficient to determine the role of this variant in disease. Therefore, it has been classified as a Variant of Uncertain Significance.

Ambry Genetics
Classification: Uncertain significance for Cardiovascular phenotype. Last evaluated: 2023-09-07. Review status: criteria provided, single submitter. Criteria: Ambry Variant Classification Scheme 2023. Collection method: clinical testing. Allele origin: germline.
Comment: The p.A226S variant (also known as c.676G>T), located in coding exon 6 of the CASQ2 gene, results from a G to T substitution at nucleotide position 676. The alanine at codon 226 is replaced by serine, an amino acid with similar properties. This amino acid position is conserved. In addition, this alteration is predicted to be tolerated by in silico analysis. Since supporting evidence is limited at this time, the clinical significance of this alteration remains unclear.